The following is an entry in ClinVar:

ClinVar aggregate classification (germline): Likely benign. Review status: criteria provided, multiple submitters, no conflicts (2 of 4 stars). 2 submissions from 2 submitters: Likely benign (2). Last evaluated 2018-06-14.

Allele frequency attached by ClinVar (database versions not stated): 1000 Genomes Project 30x 0.00843; 1000 Genomes Project 0.00919; TOPMed 0.01421; gnomAD 0.01478 and 0.01548.
gnomAD v4.1: 2,339 of 152,206 alleles (1.5%); highest among the groups gnomAD compares: Non-Finnish European, 2%; 24 homozygotes.

Submissions (2):

GeneDx
Classification: Likely benign. Last evaluated: 2018-06-14. Review status: criteria provided, single submitter. Criteria: GeneDx Variant Classification (06012015). Collection method: clinical testing. Allele origin: germline. Affected: yes.
Comment: This variant is considered likely benign or benign based on one or more of the following criteria: it is a conservative change, it occurs at a poorly conserved position in the protein, it is predicted to be benign by multiple in silico algorithms, and/or has population frequency not consistent with disease.

Breakthrough Genomics
Classification: Likely benign. Review status: criteria provided, single submitter. Criteria: ACMG Guidelines, 2015. Collection method: not provided. Allele origin: germline. Inheritance: Autosomal dominant inheritance. Affected: yes.

NM_000393.5(COL5A2):c.2932-162G>A

Gene: COL5A2 (collagen type V alpha 2 chain; minus strand). Cytogenetic location: 2q32.2.
Variant type: single nucleotide variant.
Coding change: c.2932-162G>A on transcript NM_000393.5 (MANE Select); 162 bases into the intron before coding-DNA position 2932, G replaced by A.
Molecular consequence: intron variant.
Genome position (GRCh38, 1-based): chr2:189,050,838, C>T on the plus strand (G>A on the coding strand, the complement: COL5A2 is on the minus strand). VCF-style: chr2-189050838-C-T. GRCh37 (hg19) VCF-style: chr2-189915564-C-T.
Identifiers: ClinVar variation 675759 (VCV000675759.2), dbSNP rs115735575, ClinGen allele CA62595194.
Genomic context (GRCh38, chr2:189,050,838, plus strand): 5'-AAAAAGAAGTTCTCTGTTTCTCAAAATCATACTGCATATGAGTAGTCATAAATTGTAATC[C>T]GCACAGAACCTCTAACATTATTTAAAGGTGAAAACAGCTCATCCGTTGGAAAGAAACTGA-3'